The following is an entry in ClinVar:

ClinVar aggregate classification (germline): Benign. Review status: reviewed by expert panel (3 of 4 stars). 7 submissions from 7 submitters: Benign (1). 6 of the submissions do not count toward it. Last evaluated 2026-05-21.

Conditions:
Inborn genetic diseases. Identifiers: MedGen C0950123, MeSH D030342.
Ornithine carbamoyltransferase deficiency (OTCD). Also called: Ornithine Carbamoyltransferase Deficiency Disease; OTC DEFICIENCY; ORNITHINE TRANSCARBAMYLASE DEFICIENCY; ORNITHINE TRANSCARBAMYLASE DEFICIENCY, HYPERAMMONEMIA DUE TO. Identifiers: Orphanet 664, MedGen C0268542, MONDO:0010703, OMIM 311250.

Allele frequency attached by ClinVar (database versions not stated): gnomAD exomes 0.00004 and 0.00016; gnomAD 0.00005; 1000 Genomes Project 30x 0.00021; TOPMed 0.00007; ExAC 0.00018; 1000 Genomes Project 0.00026.
gnomAD v4.1: 46 of 1,206,826 alleles (0.0038%); highest among the groups gnomAD compares: East Asian, 0.089%; no homozygotes.

Submissions (7):

Clingen Urea Cycle Disorders Variant Curation Expert Panel, ClinGen
Classification: Benign for Ornithine carbamoyltransferase deficiency. Last evaluated: 2026-05-21. Review status: reviewed by expert panel. Criteria: ClinGen UreaCycles ACMG Specifications OTC V1.0. Collection method: curation. Allele origin: germline. Inheritance: X-linked inheritance.
Comment: The NM_000531.6: c.621C>T (p.Ser207=) variant is a synonymous (silent) variant that is not predicted by SpliceAI to impact splicing (BP4, BP7). The highest population minor allele frequency in gnomAD v4.1.0 is 0.0008888 (30/33752 alleles) in the East Asian population and there are 13 hemizygotes across all populations, which is higher than the ClinGen OTC VCEP threshold (≥10 male hemizygotes) for BA1, and therefore meets this criterion (BA1). In summary, this variant meets the criteria to be classified as Benign for X-linked ornithine carbamoyltransferase deficiency. ACMG/AMP criteria met, as specified by the ClinGen Urea Cycle Disorders VCEP (OTC specifications version 1.0.0): BA1, BP4, BP7.

Labcorp Genetics (formerly Invitae), Labcorp
Classification: Benign for Ornithine carbamoyltransferase deficiency. Last evaluated: 2026-01-30. Review status: criteria provided, single submitter. Criteria: Invitae Variant Classification Sherloc (09022015). Collection method: clinical testing. Allele origin: germline. Not counted in ClinVar's aggregate classification.

Blueprint Genetics
Classification: Likely benign. Last evaluated: 2024-06-27. Review status: criteria provided, single submitter. Criteria: ACMG Guidelines, 2015. Collection method: clinical testing. Allele origin: germline. Not counted in ClinVar's aggregate classification.

All of Us Research Program, National Institutes of Health
Classification: Benign for Ornithine carbamoyltransferase deficiency. Last evaluated: 2024-01-08. Review status: criteria provided, single submitter. Criteria: ACMG Guidelines, 2015. Collection method: clinical testing. Allele origin: germline. Inheritance: X-linked inheritance. Observed: 8 variant alleles, 7 heterozygotes, 1 homozygote. Not counted in ClinVar's aggregate classification.
Comment: This study involves interpretation of variants in research participants for the purpose of population health screening. Participant phenotype was not available at the time of variant classification. Additional details can be found in publication PMID: 35346344, PMCID: PMC8962531

Color Diagnostics, LLC DBA Color Health
Classification: Benign for Ornithine carbamoyltransferase deficiency. Last evaluated: 2022-04-21. Review status: criteria provided, single submitter. Criteria: ACMG Guidelines, 2015. Collection method: clinical testing. Allele origin: germline. Not counted in ClinVar's aggregate classification.

Illumina Laboratory Services, Illumina
Classification: Likely benign for Ornithine carbamoyltransferase deficiency. Last evaluated: 2017-04-28. Review status: criteria provided, single submitter. Criteria: ICSL Variant Classification Criteria 13 December 2019. Collection method: clinical testing. Allele origin: germline. Not counted in ClinVar's aggregate classification.
Comment: This variant was observed as part of a predisposition screen in an ostensibly healthy population. A literature search was performed for the gene, cDNA change, and amino acid change (where applicable). No publications were found based on this search. Allele frequency data from public databases allowed determination this variant is unlikely to cause disease. Therefore, this variant is classified as likely benign.

Ambry Genetics
Classification: Benign for Inborn genetic diseases. Last evaluated: 2017-01-31. Review status: criteria provided, single submitter. Criteria: Ambry Variant Classification Scheme 2023. Collection method: clinical testing. Allele origin: germline. Not counted in ClinVar's aggregate classification.

NM_000531.6(OTC):c.621C>T (p.Ser207=)

Gene: OTC (ornithine transcarbamylase; plus strand). Cytogenetic location: Xp11.4.
Variant type: single nucleotide variant.
Coding change: c.621C>T on transcript NM_000531.6 (MANE Select); coding-DNA position 621, C replaced by T.
Protein change: p.Ser207=; no amino-acid change (serine 207 retained).
Molecular consequence: synonymous variant.
Genome position (GRCh38, 1-based): chrX:38,403,698, C>T. VCF-style: chrX-38403698-C-T. GRCh37 (hg19) VCF-style: chrX-38262951-C-T.
Other names: NM_000531.6(OTC):c.621C>T; p.Ser207=.
Identifiers: ClinVar variation 368259 (VCV000368259.24), dbSNP rs72558415, ClinGen allele CA10385896.